The following is an entry in ClinVar:

NM_024753.5(TTC21B):c.1993C>G (p.Leu665Val)

Gene: TTC21B (tetratricopeptide repeat domain 21B; minus strand). Cytogenetic location: 2q24.3.
Variant type: single nucleotide variant.
Coding change: c.1993C>G on transcript NM_024753.5 (MANE Select); coding-DNA position 1993, C replaced by G.
Protein change: p.Leu665Val; replaces leucine 665 with valine.
Molecular consequence: missense variant.
Genome position (GRCh38, 1-based): chr2:165,915,346, G>C on the plus strand (C>G on the coding strand, the complement: TTC21B is on the minus strand). VCF-style: chr2-165915346-G-C. GRCh37 (hg19) VCF-style: chr2-166771856-G-C.
Other names: short protein forms L665V.
Identifiers: ClinVar variation 4986572 (VCV004986572.1).
Genomic context (GRCh38, chr2:165,915,346, plus strand): 5'-GCTGTTCGGCTGTAACATTCTGAAGGATGCTTAAAGCCCGTTCAATATCTCCTTGGGCTA[G>C]AGCAAGGTCTGCATTAGCAATGGTAACCCGCACTTCTTCAGATGTTCCAGAAAATTCATG-3'
Protein context (NP_079029.3, residues 655-675): RVTIANADLA[Leu665Val]AQGDIERALS

ClinVar aggregate classification (germline): Uncertain significance (1 of 4 stars; one submission).

Conditions:
TTC21B-related disorder. Also called: TTC21B-related condition; TTC21B-related disorders.

gnomAD v4.1: 33 of 1,613,946 alleles (0.002%); highest among the groups gnomAD compares: Middle Eastern, 0.033%; no homozygotes.

Submission:

PreventionGenetics, part of Exact Sciences
Classification: Uncertain significance for TTC21B-related condition. Last evaluated: 2026-06-22. Review status: criteria provided, single submitter. Criteria: ACMG Guidelines, 2015. Collection method: clinical testing. Allele origin: germline.
Comment: The TTC21B c.1993C>G variant is predicted to result in the amino acid substitution p.Leu665Val. To our knowledge, this variant has not been reported in the literature. This variant is reported in 0.016% of alleles in individuals of South Asian descent in gnomAD. At this time, the clinical significance of this variant is uncertain due to the absence of conclusive functional and genetic evidence.